The following is an entry in ClinVar:

NM_004036.5(ADCY3):c.970G>A (p.Asp324Asn)

Gene: ADCY3 (adenylate cyclase 3; minus strand). Cytogenetic location: 2p23.3.
Variant type: single nucleotide variant.
Coding change: c.970G>A on transcript NM_004036.5 (MANE Select); coding-DNA position 970, G replaced by A.
Protein change: p.Asp324Asn; replaces aspartic acid 324 with asparagine.
Molecular consequence: missense variant.
Genome position (GRCh38, 1-based): chr2:24,841,654, C>T on the plus strand (G>A on the coding strand, the complement: ADCY3 is on the minus strand). VCF-style: chr2-24841654-C-T. GRCh37 (hg19) VCF-style: chr2-25064523-C-T.
Other names: c.970G>A, p.Asp324Asn (NM_001320613.2, NM_001377128.1, NM_001377129.1 and 2 more transcripts); c.247G>A, p.Asp83Asn (NM_001377131.1); short protein forms D324N, D83N.
Identifiers: ClinVar variation 3907859 (VCV003907859.1).

ClinVar aggregate classification (germline): Uncertain significance (1 of 4 stars; one submission).

Submission:

GeneDx
Classification: Uncertain significance. Last evaluated: 2024-12-23. Review status: criteria provided, single submitter. Criteria: GeneDx Variant Classification Process June 2021. Collection method: clinical testing. Allele origin: germline. Affected: yes.
Comment: Not observed at significant frequency in large population cohorts (gnomAD); In silico analysis supports that this missense variant has a deleterious effect on protein structure/function; Has not been previously published as pathogenic or benign to our knowledge